The following is an entry in ClinVar:

ClinVar aggregate classification (germline): Benign. Review status: criteria provided, multiple submitters, no conflicts (2 of 4 stars). 2 submissions from 2 submitters: Benign (2). Last evaluated 2018-06-29.

Conditions:
Autosomal dominant nonsyndromic hearing loss 5. Identifiers: Orphanet 90635, MedGen C1832932, MONDO:0010973, OMIM 600994.

Allele frequency attached by ClinVar (database versions not stated): gnomAD exomes 0.00258; gnomAD 0.02430 and 0.02589; 1000 Genomes Project 0.02596; TOPMed 0.02772; 1000 Genomes Project 30x 0.02795.
gnomAD v4.1: 5,769 of 919,968 alleles (0.63%); highest among the groups gnomAD compares: African/African-American, 8.5%; 248 homozygotes.

Submissions (2):

GeneDx
Classification: Benign. Last evaluated: 2018-06-29. Review status: criteria provided, single submitter. Criteria: GeneDx Variant Classification Process June 2021. Collection method: clinical testing. Allele origin: germline. Affected: yes.

Illumina Laboratory Services, Illumina
Classification: Benign for Autosomal dominant nonsyndromic hearing loss 5. Last evaluated: 2018-01-12. Review status: criteria provided, single submitter. Criteria: ICSL Variant Classification Criteria 13 December 2019. Collection method: clinical testing. Allele origin: germline.
Comment: This variant was observed in the ICSL laboratory as part of a predisposition screen in an ostensibly healthy population. It had not been previously curated by ICSL or reported in the Human Gene Mutation Database (HGMD: prior to June 1st, 2018), and was therefore a candidate for classification through an automated scoring system. Utilizing variant allele frequency, disease prevalence and penetrance estimates, and inheritance mode, an automated score was calculated to assess if this variant is too frequent to cause the disease. Based on the score and internal cut-off values, a variant classified as benign is not then subjected to further curation. The score for this variant resulted in a classification of benign for this disease.

NM_001127453.2(GSDME):c.*87A>G

Gene: GSDME (gasdermin E; minus strand). Cytogenetic location: 7p15.3.
Variant type: single nucleotide variant.
Coding change: c.*87A>G on transcript NM_001127453.2 (MANE Select); 87 bases downstream of the stop codon, A replaced by G.
Molecular consequence: 3 prime UTR variant.
Genome position (GRCh38, 1-based): chr7:24,698,939, T>C on the plus strand (A>G on the coding strand, the complement: GSDME is on the minus strand). VCF-style: chr7-24698939-T-C. GRCh37 (hg19) VCF-style: chr7-24738558-T-C.
Other names: c.*87A>G (NM_001127454.2, NM_004403.3).
Identifiers: ClinVar variation 908336 (VCV000908336.5), dbSNP rs10266655, ClinGen allele CA155368026.
Genomic context (GRCh38, chr7:24,698,939, plus strand): 5'-CAGGTCATTCATCATGCAAAATGTCACCACTTCTTAAACTGTTCTGTAAATTCATTTCAT[T>C]GGTCAACTTTTAACGTGCATATGACCTTTAACAGTTCTGAAAAATAGCCTTGGCCAGTAA-3'